The following is an entry in ClinVar:

ClinVar aggregate classification (germline): Pathogenic (1 of 4 stars; one submission).

Conditions:
Hereditary breast ovarian cancer syndrome. Also called: Breast and ovarian cancer; BRCA1- and BRCA2-Associated Hereditary Breast and Ovarian Cancer; Hereditary breast and ovarian cancer syndrome; Hereditary breast and/or ovarian cancer syndrome; Hereditary breast and ovarian cancer; Hereditary breast and ovarian cancer syndrome (HBOC). Identifiers: Orphanet 145, MedGen C0677776, MeSH D061325, MONDO:0003582. Disease mechanism: loss of function.

Submission:

Labcorp Genetics (formerly Invitae), Labcorp
Classification: Pathogenic for Hereditary breast ovarian cancer syndrome. Last evaluated: 2022-09-01. Review status: criteria provided, single submitter. Criteria: Invitae Variant Classification Sherloc (09022015). Collection method: clinical testing. Allele origin: germline.
Comment: For these reasons, this variant has been classified as Pathogenic. A similar copy number variant has been observed in individual(s) with BRCA2-related disease (PMID: 20616022). This variant is a gross deletion of the genomic region encompassing exon(s) 2-14 of the BRCA2 gene, which includes the initiator codon. This deletion extends beyond the assayed region for this gene and therefore may encompass additional genes. It is expected to result in an absent or disrupted protein product. Loss-of-function variants in BRCA2 are known to be pathogenic (PMID: 20104584).

Literature cited by the submitters: PubMed 20616022; PubMed 20104584.

NC_000013.10:g.(?_32890592)_(32929431_?)del

Gene: BRCA2 (BRCA2 DNA repair associated; plus strand). Cytogenetic location: 13q13.1.
Variant type: Deletion.
Identifiers: ClinVar variation 1070260 (VCV001070260.10).